The following is an entry in ClinVar:

ClinVar aggregate classification (germline): Likely benign. Review status: criteria provided, multiple submitters, no conflicts (2 of 4 stars). 4 submissions from 4 submitters: Likely benign (4). Last evaluated 2025-12-19.

Conditions:
Hereditary sensory and autonomic neuropathy type 6. Also called: HSAN VI; Neuropathy, hereditary sensory and autonomic, type VI. Identifiers: Orphanet 314381, MedGen C3539003, MONDO:0013839, OMIM 614653.
Epidermolysis bullosa simplex 3, localized or generalized intermediate, with BP230 deficiency (EBS3). Also called: Epidermolysis bullosa simplex, autosomal recessive 2; Epidermolysis bullosa simplex due to BP230 deficiency. Identifiers: Orphanet 412181, MedGen C3809470, MONDO:0014180, OMIM 615425.
DST-related disorder. Also called: DST-related condition; DST-related disorders.

Allele frequency attached by ClinVar (database versions not stated): ExAC 0.00009; gnomAD 0.00018 and 0.00016; 1000 Genomes Project 0.00020; gnomAD exomes 0.00023 and 0.00013; 1000 Genomes Project 30x 0.00016; TOPMed 0.00013.
gnomAD v4.1: 353 of 1,612,384 alleles (0.022%); highest among the groups gnomAD compares: Non-Finnish European, 0.027%; no homozygotes.

Submissions (4):

Labcorp Genetics (formerly Invitae), Labcorp
Classification: Likely benign for Epidermolysis bullosa simplex 3, localized or generalized intermediate, with BP230 deficiency; Hereditary sensory and autonomic neuropathy type 6. Last evaluated: 2025-12-19. Review status: criteria provided, single submitter. Criteria: Invitae Variant Classification Sherloc (09022015). Collection method: clinical testing. Allele origin: germline.

PreventionGenetics, part of Exact Sciences
Classification: Likely benign for DST-related condition. Last evaluated: 2025-12-18. Review status: criteria provided, single submitter. Criteria: ACMG Guidelines, 2015. Collection method: clinical testing. Allele origin: germline.
Comment: This variant is classified as likely benign based on ACMG/AMP sequence variant interpretation guidelines (Richards et al. 2015 PMID: 25741868, with internal and published modifications).

Mayo Clinic Laboratories, Mayo Clinic
Classification: Likely benign. Last evaluated: 2025-04-14. Review status: criteria provided, single submitter. Criteria: ACMG Guidelines, 2015. Collection method: clinical testing. Allele origin: germline. Observed: 3 variant alleles.
Comment: BP4, BP7

CeGaT Center for Human Genetics Tuebingen
Classification: Likely benign. Last evaluated: 2022-09-01. Review status: criteria provided, single submitter. Criteria: CeGaT Center For Human Genetics Tuebingen Variant Classification Criteria Version 2. Collection method: clinical testing. Allele origin: germline. Affected: yes. Observed: 1 variant allele.
Comment: DST: BP4, BP7

NM_001374736.1(DST):c.22458C>T (p.Ala7486=)

Gene: DST (dystonin; minus strand). Cytogenetic location: 6p12.1.
Variant type: single nucleotide variant.
Coding change: c.22458C>T on transcript NM_001374736.1 (MANE Select); coding-DNA position 22458, C replaced by T.
Protein change: p.Ala7486=; no amino-acid change (alanine 7486 retained).
Molecular consequence: synonymous variant.
Genome position (GRCh38, 1-based): chr6:56,470,146, G>A on the plus strand (C>T on the coding strand, the complement: DST is on the minus strand). VCF-style: chr6-56470146-G-A. GRCh37 (hg19) VCF-style: chr6-56334944-G-A.
Other names: p.Ala4863=; c.16101C>T (NM_001144769.2); c.15240C>T, p.Ala5080= (NM_001374730.1); c.22485C>T, p.Ala7495= (NM_001374734.1); c.15567C>T, p.Ala5189= (NM_001386100.1, NM_183380.4); c.14589C>T, p.Ala4863= (NM_015548.5); c.16101C>T, p.Ala5367= (NM_001144769.5); c.15687C>T, p.Ala5229= (NM_001144770.2); and 2 more.
Identifiers: ClinVar variation 796494 (VCV000796494.35), dbSNP rs554828969, ClinGen allele CA3866266.